The following is an entry in ClinVar:

NM_001040108.2(MLH3):c.2389C>T (p.Arg797Cys)

Gene: MLH3 (mutL homolog 3; minus strand). Cytogenetic location: 14q24.3.
Variant type: single nucleotide variant.
Coding change: c.2389C>T on transcript NM_001040108.2 (MANE Select); coding-DNA position 2389, C replaced by T.
Protein change: p.Arg797Cys; replaces arginine 797 with cysteine.
Molecular consequence: missense variant.
Genome position (GRCh38, 1-based): chr14:75,047,267, G>A on the plus strand (C>T on the coding strand, the complement: MLH3 is on the minus strand). VCF-style: chr14-75047267-G-A. GRCh37 (hg19) VCF-style: chr14-75513970-G-A.
Other names: c.2389C>T, p.Arg797Cys (NM_014381.3); short protein forms R797C.
Identifiers: ClinVar variation 941813 (VCV000941813.13), dbSNP rs954634089, ClinGen allele CA263648363.

ClinVar aggregate classification (germline): Conflicting classifications of pathogenicity. Review status: criteria provided, conflicting classifications (1 of 4 stars). 3 submissions from 3 submitters: Uncertain significance (2); Likely benign (1). Last evaluated 2025-11-05.

Conditions:
Colorectal cancer, hereditary nonpolyposis, type 7. Identifiers: Orphanet 144, MedGen C1858380, MONDO:0013725, OMIM 614385.
Colorectal cancer. Also called: Colorectal cancer, somatic; Malignant Colorectal Neoplasm. Identifiers: MedGen C0346629, MONDO:0005575, OMIM 114500.
Endometrial carcinoma. Also called: Endometrial carcinoma, somatic. Identifiers: MedGen C0476089, MONDO:0002447, OMIM 608089, HP:0012114.

Allele frequency attached by ClinVar (database versions not stated): gnomAD exomes below 0.00001 and 0.00001; gnomAD 0.00001; TOPMed 0.00002.
gnomAD v4.1: 10 of 1,613,990 alleles (0.00062%); highest among the groups gnomAD compares: East Asian, 0.0022%; no homozygotes.

Submissions (3):

Labcorp Genetics (formerly Invitae), Labcorp
Classification: Uncertain significance for Colorectal cancer, hereditary nonpolyposis, type 7. Last evaluated: 2025-11-05. Review status: criteria provided, single submitter. Criteria: Invitae Variant Classification Sherloc (09022015). Collection method: clinical testing. Allele origin: germline.
Comment: This sequence change replaces arginine, which is basic and polar, with cysteine, which is neutral and slightly polar, at codon 797 of the MLH3 protein (p.Arg797Cys). This variant is not present in population databases (gnomAD no frequency). This variant has not been reported in the literature in individuals affected with MLH3-related conditions. ClinVar contains an entry for this variant (Variation ID: 941813). An algorithm developed to predict the effect of missense changes on protein structure and function outputs the following: PolyPhen-2: "Benign". The cysteine amino acid residue is found in multiple mammalian species, which suggests that this missense change does not adversely affect protein function. In summary, the available evidence is currently insufficient to determine the role of this variant in disease. Therefore, it has been classified as a Variant of Uncertain Significance.

Fulgent Genetics
Classification: Uncertain significance for Colorectal cancer; Endometrial carcinoma; Colorectal cancer, hereditary nonpolyposis, type 7. Last evaluated: 2024-03-19. Review status: criteria provided, single submitter. Criteria: ACMG Guidelines, 2015. Collection method: clinical testing. Allele origin: germline.

Ambry Genetics
Classification: Likely benign. Last evaluated: 2020-08-04. Review status: criteria provided, single submitter. Criteria: Ambry Variant Classification Scheme 2023. Collection method: clinical testing. Allele origin: germline.